The following is an entry in ClinVar:

ClinVar aggregate classification (germline): Likely benign (1 of 4 stars; one submission).

Allele frequency attached by ClinVar (database versions not stated): 1000 Genomes Project 0.00938.

Submission:

CeGaT Center for Human Genetics Tuebingen
Classification: Likely benign. Last evaluated: 2023-01-01. Review status: criteria provided, single submitter. Criteria: CeGaT Center For Human Genetics Tuebingen Variant Classification Criteria Version 2. Collection method: clinical testing. Allele origin: germline. Affected: yes. Observed: 1 variant allele.
Comment: MUC5B: BP4, BP7

NM_002458.3(MUC5B):c.13359G>C (p.Pro4453=)

Gene: MUC5B (mucin 5B, oligomeric mucus/gel-forming; plus strand). Cytogenetic location: 11p15.5.
Variant type: single nucleotide variant.
Coding change: c.13359G>C on transcript NM_002458.3 (MANE Select); coding-DNA position 13359, G replaced by C.
Protein change: p.Pro4453=; no amino-acid change (proline 4453 retained).
Molecular consequence: synonymous variant.
Genome position (GRCh38, 1-based): chr11:1,250,239, G>C. VCF-style: chr11-1250239-G-C. GRCh37 (hg19) VCF-style: chr11-1271469-G-C.
Identifiers: ClinVar variation 2641295 (VCV002641295.24), dbSNP rs527423680, ClinGen allele CA5808297.